The following is an entry in ClinVar:

ClinVar aggregate classification (germline): Pathogenic (1 of 4 stars; one submission).

Conditions:
Curry-Hall syndrome (WAD). Also called: WEYERS ACRODENTAL DYSOSTOSIS. Identifiers: Orphanet 952, MedGen C0457013, MONDO:0008673, OMIM 193530.
Ellis-van Creveld syndrome (EVC). Also called: EVC-Related Ellis-van Creveld Syndrome; EVC2-Related Ellis-van Creveld Syndrome; MESOECTODERMAL DYSPLASIA; Chondroectodermal dysplasia. Identifiers: Orphanet 289, MedGen C0013903, MONDO:0009162, OMIM 225500.

Allele frequency attached by ClinVar (database versions not stated): gnomAD exomes below 0.00001.

Submission:

Labcorp Genetics (formerly Invitae), Labcorp
Classification: Pathogenic for Curry-Hall syndrome; Ellis-van Creveld syndrome. Last evaluated: 2023-07-31. Review status: criteria provided, single submitter. Criteria: Invitae Variant Classification Sherloc (09022015). Collection method: clinical testing. Allele origin: germline.
Comment: For these reasons, this variant has been classified as Pathogenic. This variant has not been reported in the literature in individuals affected with EVC-related conditions. This variant is not present in population databases (gnomAD no frequency). This sequence change creates a premature translational stop signal (p.Thr372Argfs*10) in the EVC gene. It is expected to result in an absent or disrupted protein product. Loss-of-function variants in EVC are known to be pathogenic (PMID: 23220543).

Literature cited by the submitters: PubMed 23220543.

NM_153717.3(EVC):c.1114del (p.Thr372fs)

Gene: EVC (EvC ciliary complex subunit 1; plus strand). Cytogenetic location: 4p16.2.
Variant type: Deletion.
Coding change: c.1114del on transcript NM_153717.3 (MANE Select); coding-DNA position 1114, one base deleted (A; older notation c.1114delA).
Protein change: p.Thr372fs; shifts the reading frame from threonine 372.
Molecular consequence: frameshift variant.
Genome position (GRCh38, 1-based): chr4:5,752,851, A deleted. VCF-style (leftmost placement, unchanged base first): chr4-5752850-GA-G. GRCh37 (hg19) VCF-style: chr4-5754577-GA-G.
Other names: c.1114del, p.Thr372fs (NM_001306092.2, NM_001306090.2); short protein forms T372fs.
Identifiers: ClinVar variation 2930923 (VCV002930923.3), dbSNP rs2475379255, ClinGen allele CA2669806991.